The following is an entry in ClinVar:

ClinVar aggregate classification (germline): Uncertain significance (1 of 4 stars; one submission).

Submission:

CeGaT Center for Human Genetics Tuebingen
Classification: Uncertain significance. Last evaluated: 2024-03-01. Review status: criteria provided, single submitter. Criteria: CeGaT Center For Human Genetics Tuebingen Variant Classification Criteria Version 2. Collection method: clinical testing. Allele origin: germline. Affected: yes. Observed: 1 variant allele.
Comment: TTN: PM2, PP3

NM_001267550.2(TTN):c.26482+6_26482+12del

Gene: TTN (titin; minus strand). Cytogenetic location: 2q31.2.
Variant type: Deletion.
Coding change: c.26482+6_26482+12del on transcript NM_001267550.2 (MANE Select); bases 6 to 12 of the intron after coding-DNA position 26482, 7 bases deleted (TAAAAAG; older notation c.26482+6_26482+12delTAAAAAG).
Molecular consequence: intron variant.
Genome position (GRCh38, 1-based): chr2:178,714,280-178,714,286, CTTTTTA deleted on the plus strand (TAAAAAG on the coding strand, the reverse complement: TTN is on the minus strand); deleting any 7 consecutive bases within chr2:178,714,280-178,714,288 gives the same sequence; the c. name uses the placement nearest the transcript's 3' end. VCF-style (leftmost placement, unchanged base first): chr2-178714279-TCTTTTTA-T. GRCh37 (hg19) VCF-style: chr2-179579006-TCTTTTTA-T.
Other names: c.25531+6_25531+12del (NM_001256850.1); c.13282+23796_13282+23802del (NM_003319.4); c.13858+23796_13858+23802del (NM_133437.4); c.13657+23796_13657+23802del (NM_133432.3); c.22750+6_22750+12del (NM_133378.4).
Identifiers: ClinVar variation 3067777 (VCV003067777.21), dbSNP rs2529028486, ClinGen allele CA2577173942.